The following is an entry in ClinVar:

NM_001042545.2(LTBP4):c.2158A>G (p.Thr720Ala)

Gene: LTBP4 (latent transforming growth factor beta binding protein 4; plus strand). Cytogenetic location: 19q13.2.
Variant type: single nucleotide variant.
Coding change: c.2158A>G on transcript NM_001042545.2 (MANE Select); coding-DNA position 2158, A replaced by G.
Protein change: p.Thr720Ala; replaces threonine 720 with alanine.
Molecular consequence: missense variant.
Genome position (GRCh38, 1-based): chr19:40,611,963, A>G. VCF-style: chr19-40611963-A-G. GRCh37 (hg19) VCF-style: chr19-41117869-A-G.
Other names: c.2359A>G, p.Thr787Ala (NM_001042544.1); c.2248A>G, p.Thr750Ala (NM_003573.2); short protein forms T720A, T750A, T787A.
Identifiers: ClinVar variation 163946 (VCV000163946.22), dbSNP rs1131620, ClinGen allele CA176680.
Genomic context (GRCh38, chr19:40,611,963, plus strand): 5'-CGGTGTGAGAACACAGAAGGCAGCTTCCAGTGTGTCTGCCCCATGGGCTTCCAACCCAAC[A>G]CTGCTGGCTCCGAGTGCGAGGGTGAGGCCGGGGAGGGAGGGAGGAGTGTGGATGGGTGAG-3'
Protein context (NP_001036010.1, residues 710-730): CVCPMGFQPN[Thr720Ala]AGSECEDVDE

ClinVar aggregate classification (germline): Benign/Likely benign. Review status: criteria provided, multiple submitters, no conflicts (2 of 4 stars). 9 submissions from 9 submitters: Benign (6); Likely benign (1). 2 of the submissions do not count toward it. Last evaluated 2026-02-04.

Conditions:
Cutis laxa with severe pulmonary, gastrointestinal and urinary anomalies. Also called: URBAN-RIFKIN-DAVIS SYNDROME; Cutis laxa, autosomal recessive, type IC; LTBP4-Related Cutis Laxa. Identifiers: Orphanet 221145, MedGen C2750804, MONDO:0013170, OMIM 613177. Disease mechanism: loss of function.

Allele frequency attached by ClinVar (database versions not stated): gnomAD exomes 0.42264 and 0.43938; ExAC 0.44795; TOPMed 0.46265; ESP Exome Variant Server 0.46896; gnomAD 0.47295 and 0.47315; 1000 Genomes Project 30x 0.49250; 1000 Genomes Project 0.49521.
gnomAD v4.1: 690,110 of 1,610,558 alleles (43%); highest among the groups gnomAD compares: African/African-American, 58%; 151,466 homozygotes.

Submissions (9):

Labcorp Genetics (formerly Invitae), Labcorp
Classification: Benign. Last evaluated: 2026-02-04. Review status: criteria provided, single submitter. Criteria: Invitae Variant Classification Sherloc (09022015). Collection method: clinical testing. Allele origin: germline.

Blueprint Genetics
Classification: Likely benign. Last evaluated: 2024-11-28. Review status: criteria provided, single submitter. Criteria: ACMG Guidelines, 2015. Collection method: clinical testing. Allele origin: germline.

Genome-Nilou Lab
Classification: Benign for Cutis laxa with severe pulmonary, gastrointestinal and urinary anomalies. Last evaluated: 2021-09-05. Review status: criteria provided, single submitter. Criteria: ACMG Guidelines, 2015. Collection method: clinical testing. Allele origin: germline. Affected: no.

Illumina Laboratory Services, Illumina
Classification: Benign for Cutis laxa with severe pulmonary, gastrointestinal and urinary anomalies. Last evaluated: 2018-01-12. Review status: criteria provided, single submitter. Criteria: ICSL Variant Classification Criteria 13 December 2019. Collection method: clinical testing. Allele origin: germline.
Comment: This variant was observed in the ICSL laboratory as part of a predisposition screen in an ostensibly healthy population. It had not been previously curated by ICSL or reported in the Human Gene Mutation Database (HGMD: prior to June 1st, 2018), and was therefore a candidate for classification through an automated scoring system. Utilizing variant allele frequency, disease prevalence and penetrance estimates, and inheritance mode, an automated score was calculated to assess if this variant is too frequent to cause the disease. Based on the score and internal cut-off values, a variant classified as benign is not then subjected to further curation. The score for this variant resulted in a classification of benign for this disease.

GeneDx
Classification: Benign. Last evaluated: 2016-09-29. Review status: criteria provided, single submitter. Criteria: GeneDx Variant Classification (06012015). Collection method: clinical testing. Allele origin: germline. Affected: yes.
Comment: This variant is considered likely benign or benign based on one or more of the following criteria: it is a conservative change, it occurs at a poorly conserved position in the protein, it is predicted to be benign by multiple in silico algorithms, and/or has population frequency not consistent with disease.

Laboratory for Molecular Medicine, Mass General Brigham Personalized Medicine
Classification: Benign. Last evaluated: 2013-02-21. Review status: criteria provided, single submitter. Criteria: LMM Criteria. Collection method: clinical testing. Allele origin: germline. Observed: 57 variant alleles.
Comment: Thr787Ala in exon 17 of LTBP4: This variant is not expected to have clinical sig nificance because it has been identified in 43.7% (1840/4214) of African America n chromosomes from a broad population by the NHLBI Exome Sequencing Project (dbSNP rs1131620).

Breakthrough Genomics
Classification: Benign. Review status: criteria provided, single submitter. Criteria: ACMG Guidelines, 2015. Collection method: not provided. Allele origin: germline. Inheritance: Autosomal recessive inheritance. Affected: yes.

Genome Diagnostics Laboratory, Amsterdam University Medical Center
Classification: Benign for Cutis laxa with severe pulmonary, gastrointestinal and urinary anomalies. Last evaluated: 2014-12-01. Review status: no assertion criteria provided. Criteria: ACGS Guidelines, 2013. Collection method: clinical testing. Allele origin: germline. Affected: yes. Study: VKGL Data-share Consensus. Not counted in ClinVar's aggregate classification.

Diagnostic Laboratory, Department of Genetics, University Medical Center Groningen
Classification: Benign for Cutis laxa with severe pulmonary, gastrointestinal and urinary anomalies. Review status: no assertion criteria provided. Collection method: clinical testing. Allele origin: germline. Affected: yes. Study: VKGL Data-share Consensus. Not counted in ClinVar's aggregate classification.